The following is an entry in ClinVar:

NM_000062.3(SERPING1):c.5C>T (p.Ala2Val)

Gene: SERPING1 (serpin family G member 1; plus strand). Cytogenetic location: 11q12.1.
Variant type: single nucleotide variant.
Coding change: c.5C>T on transcript NM_000062.3 (MANE Select); coding-DNA position 5, C replaced by T.
Protein change: p.Ala2Val; replaces alanine 2 with valine.
Molecular consequence: missense variant.
Genome position (GRCh38, 1-based): chr11:57,598,275, C>T. VCF-style: chr11-57598275-C-T. GRCh37 (hg19) VCF-style: chr11-57365748-C-T.
Other names: c.5C>T, p.Ala2Val (NM_001032295.2); short protein forms A2V.
Identifiers: ClinVar variation 305016 (VCV000305016.23), dbSNP rs185342631, ClinGen allele CA6007946.

ClinVar aggregate classification (germline): Conflicting classifications of pathogenicity. Review status: criteria provided, conflicting classifications (1 of 4 stars). 6 submissions from 6 submitters: Uncertain significance (1); Likely benign (5). Last evaluated 2026-04-15.

Conditions:
Hereditary angioedema type 1 (HAE1). Identifiers: Orphanet 100050, Orphanet 100051, Orphanet 91378, MedGen C2717906, MONDO:0015053, OMIM 106100.
C1 inhibitor deficiency. Identifiers: MedGen C1852700, MONDO:0007361, OMIM 120790.
SERPING1-related disorder. Also called: SERPING1-related condition.

Allele frequency attached by ClinVar (database versions not stated): 1000 Genomes Project 30x 0.00062; ESP Exome Variant Server 0.00079; 1000 Genomes Project 0.00080; gnomAD 0.00094 and 0.00099; TOPMed 0.00111; gnomAD exomes 0.00125 and 0.00135; ExAC 0.00247.

Submissions (6):

Women's Health and Genetics/Laboratory Corporation of America, LabCorp
Classification: Likely benign. Last evaluated: 2026-04-15. Review status: criteria provided, single submitter. Criteria: LabCorp Variant Classification Summary - May 2015. Collection method: clinical testing. Allele origin: germline.
Comment: Variant summary: SERPING1 c.5C>T (p.Ala2Val) results in a non-conservative amino acid change in the encoded protein sequence. Algorithms developed to predict the effect of missense changes on protein structure and function are either unavailable or do not agree on the potential impact of this missense change. The variant allele was found at a frequency of 0.0013 in 160658 control chromosomes, predominantly at a frequency of 0.0036 within the South Asian subpopulation in the gnomAD database, including one homozygote. The observed variant frequency within South Asian control individuals in the gnomAD database exceeds the estimated maximal expected allele frequency for disease-causing variants in SERPING1. To our knowledge, no occurrence of c.5C>T in individuals affected with SERPING1-related conditions and no experimental evidence demonstrating its impact on protein function have been reported. ClinVar contains an entry for this variant (Variation ID: 305016). Based on the evidence outlined above, the variant was classified as likely benign.

Labcorp Genetics (formerly Invitae), Labcorp
Classification: Likely benign. Last evaluated: 2026-01-31. Review status: criteria provided, single submitter. Criteria: Invitae Variant Classification Sherloc (09022015). Collection method: clinical testing. Allele origin: germline.

PreventionGenetics, part of Exact Sciences
Classification: Likely benign for SERPING1-related condition. Last evaluated: 2025-05-07. Review status: criteria provided, single submitter. Criteria: ACMG Guidelines, 2015. Collection method: clinical testing. Allele origin: germline.
Comment: This variant is classified as likely benign based on ACMG/AMP sequence variant interpretation guidelines (Richards et al. 2015 PMID: 25741868, with internal and published modifications).

GeneDx
Classification: Likely benign. Last evaluated: 2020-06-02. Review status: criteria provided, single submitter. Criteria: GeneDx Variant Classification Process June 2021. Collection method: clinical testing. Allele origin: germline. Affected: yes.
Comment: Reported in patients with angioedema in published literature; observed in the unaffected father of one patient (Gosswein et al., 2008; Rasmussen et al., 2019); In silico analysis supports that this missense variant does not alter protein structure/function; This variant is associated with the following publications: (PMID: 32896191, 31488451, 18758157)

Illumina Laboratory Services, Illumina
Classification: Likely benign for Hereditary angioedema type 1. Last evaluated: 2017-04-27. Review status: criteria provided, single submitter. Criteria: ICSL Variant Classification Criteria 13 December 2019. Collection method: clinical testing. Allele origin: germline.
Comment: This variant was observed as part of a predisposition screen in an ostensibly healthy population. A literature search was performed for the gene, cDNA change, and amino acid change (where applicable). Publications were found based on this search. The evidence from the literature, in combination with allele frequency data from public databases where available, was sufficient to determine this variant is unlikely to cause disease. Therefore, this variant is classified as likely benign.

Center for Genomics, Ann and Robert H. Lurie Children's Hospital of Chicago
Classification: Uncertain significance for Hereditary angioedema type 1; C1 inhibitor deficiency. Review status: criteria provided, single submitter. Criteria: ACMG Guidelines, 2015. Collection method: clinical testing. Allele origin: germline.
Comment: SERPING1 NM_000062.2 exon 2 p.Ala2Val (c.5C>T): This variant has been reported in the literature in 2 individuals with hereditary angioedema, segregating with disease in at least 2 affected family members (Gosswein 2008 PMID:18758157). However, this variant is present in 0.3% (84/23494) of South Asian alleles, including 1 homozygote in the Genome Aggregation Database. This variant is present in ClinVar (Variation ID:305016). Evolutionary conservation and computational predictive tools suggest that this variant may impact the protein. In summary, data on this variant is insufficient for disease classification. Therefore, the clinical significance of this variant is uncertain.

Literature cited by the submitters: PubMed 18758157 (cited by Illumina Laboratory Services, Illumina).